The following is an entry in ClinVar:

NM_000255.4(MMUT):c.323G>A (p.Arg108His)

Gene: MMUT (methylmalonyl-CoA mutase; minus strand). Cytogenetic location: 6p12.3.
Variant type: single nucleotide variant.
Coding change: c.323G>A on transcript NM_000255.4 (MANE Select); coding-DNA position 323, G replaced by A.
Protein change: p.Arg108His; replaces arginine 108 with histidine.
Molecular consequence: missense variant.
Genome position (GRCh38, 1-based): chr6:49,459,144, C>T on the plus strand (G>A on the coding strand, the complement: MMUT is on the minus strand). VCF-style: chr6-49459144-C-T. GRCh37 (hg19) VCF-style: chr6-49426857-C-T.
Other names: KC594079.1; KC594080.1; short protein forms R108H.
Identifiers: ClinVar variation 100707 (VCV000100707.29), dbSNP rs483352778, ClinGen allele CA235522.

ClinVar aggregate classification (germline): Pathogenic. Review status: criteria provided, multiple submitters, no conflicts (2 of 4 stars). 10 submissions from 10 submitters: Pathogenic (7). 3 of the submissions do not count toward it. Last evaluated 2025-08-04.

Conditions:
Methylmalonic aciduria due to complete methylmalonyl-CoA mutase deficiency.
Methylmalonic acidemia (MMA). Also called: Isolated Methylmalonic Acidemia. Identifiers: MedGen C0268583, MeSH C537358, MONDO:0002012, HP:0002912.
Methylmalonic aciduria due to methylmalonyl-CoA mutase deficiency (MAMM). Also called: Methylmalonic aciduria, mut type. Identifiers: Orphanet 27, MedGen C1855114, MONDO:0009612, OMIM 251000.
METHYLMALONIC ACIDURIA, mut(0) TYPE. Identifiers: MedGen C1855115, OMIM 251000.

Allele frequency attached by ClinVar (database versions not stated): ExAC 0.00001; gnomAD 0.00001 and 0.00003; gnomAD exomes 0.00002; TOPMed 0.00002; 1000 Genomes Project 30x 0.00016; 1000 Genomes Project 0.00020.
gnomAD v4.1: 33 of 1,614,108 alleles (0.002%); highest among the groups gnomAD compares: East Asian, 0.0067%; no homozygotes.

Submissions (10):

Natera, Inc.
Classification: Pathogenic for Methylmalonic aciduria due to complete methylmalonyl-CoA mutase deficiency. Last evaluated: 2025-08-04. Review status: criteria provided, single submitter. Criteria: Natera Variant Classification Schema (03/2026). Collection method: clinical testing. Allele origin: germline.
Comment: The c.323G>A variant in MMUT is a missense variant predicted to cause substitution of arginine to histidine at amino acid 108. This variant is rare in the general population with a frequency below the threshold expected for the associated phenotype(s). This variant has been observed in one or more individuals affected with the associated recessive disease, as either homozygous or compound heterozygous with a second variant (PMID: 26454439). A different variant at the same position has been determined to be Pathogenic or Likely Pathogenic. Computational prediction algorithms indicate this variant is likely to affect gene or protein function. Given the available evidence, this variant is classified as Pathogenic.

Labcorp Genetics (formerly Invitae), Labcorp
Classification: Pathogenic. Last evaluated: 2025-02-11. Review status: criteria provided, single submitter. Criteria: Invitae Variant Classification Sherloc (09022015). Collection method: clinical testing. Allele origin: germline.
Comment: This sequence change replaces arginine, which is basic and polar, with histidine, which is basic and polar, at codon 108 of the MUT protein (p.Arg108His). This variant is present in population databases (rs483352778, gnomAD 0.007%). This missense change has been observed in individual(s) with methylmalonic aciduria (PMID: 11528502, 16281286, 17113806). ClinVar contains an entry for this variant (Variation ID: 100707). Invitae Evidence Modeling of protein sequence and biophysical properties (such as structural, functional, and spatial information, amino acid conservation, physicochemical variation, residue mobility, and thermodynamic stability) indicates that this missense variant is expected to disrupt MUT protein function with a positive predictive value of 95%. This variant disrupts the p.Arg108 amino acid residue in MUT. Other variant(s) that disrupt this residue have been determined to be pathogenic (PMID: 2661559, 16281286, 17075691, 22614770, 23045948, 24059531, 24464670, 27578510). This suggests that this residue is clinically significant, and that variants that disrupt this residue are likely to be disease-causing. For these reasons, this variant has been classified as Pathogenic.

GeneDx
Classification: Pathogenic. Last evaluated: 2023-03-03. Review status: criteria provided, single submitter. Criteria: GeneDx Variant Classification Process June 2021. Collection method: clinical testing. Allele origin: germline. Affected: yes.
Comment: Not observed at significant frequency in large population cohorts (gnomAD); In silico analysis supports that this missense variant has a deleterious effect on protein structure/function; This variant is associated with the following publications: (PMID: 17113806, 17075691, 25959030, 26454439, 25750861, 16435223, 27233228, 22661206, 23430940, 31466887, 35361390, 15643616, 21671183, 30098236, 31622506, 33413471, 33453710, 35223700, 11528502, 29731766, 32005694, 31998365, 27167370, 16281286, 26018627, 32754920)

Fulgent Genetics
Classification: Pathogenic for Methylmalonic aciduria due to methylmalonyl-CoA mutase deficiency. Last evaluated: 2021-10-07. Review status: criteria provided, single submitter. Criteria: ACMG Guidelines, 2015. Collection method: clinical testing. Allele origin: unknown.

Women's Health and Genetics/Laboratory Corporation of America, LabCorp
Classification: Pathogenic for Methylmalonic acidemia. Last evaluated: 2017-11-10. Review status: criteria provided, single submitter. Criteria: LabCorp Variant Classification Summary - May 2015. Collection method: clinical testing. Allele origin: germline.
Comment: Variant summary: The MUT c.323G>A (p.Arg108His) variant involves the alteration of a conserved nucleotide located at the SB, substrate binding (beta alpha) 8 barrel domain (Lempp_2007). 4/4 in silico tools predict a damaging outcome for this variant (SNPsandGO not captured due to low reliability index). This variant was found in 6/246336 control chromosomes at a frequency of 0.0000244, which does not exceed the estimated maximal expected allele frequency of a pathogenic MUT variant (0.0024152). This variant has been reported in multiple affected individuals mostly as compound heterozygotes and the patients' fibroblasts presented with a marked decrease in MCM enzyme activity (Acquaviva_2001 and Lempp_2007). Variants involving codon R108 (p.R108C, p.R108G, and p.R108H) have been reported in multiple patients with Methylmalonic aciduria suggesting it is a mutation hotspot. In addition, multiple clinical diagnostic laboratories/reputable databases classified this variant as pathogenic. Taken together, this variant is classified as pathogenic.

Genetic Services Laboratory, University of Chicago
Classification: Pathogenic for Methylmalonic aciduria, mut(0) type. Last evaluated: 2016-12-21. Review status: criteria provided, single submitter. Criteria: ACMG Guidelines, 2015. Collection method: clinical testing. Allele origin: germline. Affected: yes.

Juno Genomics, Hangzhou Juno Genomics, Inc
Classification: Pathogenic for Methylmalonic aciduria due to methylmalonyl-CoA mutase deficiency. Review status: criteria provided, single submitter. Criteria: ACMG Guidelines, 2015. Collection method: clinical testing. Allele origin: germline.
Comment: Absent from controls (or at extremely low frequency if recessive) in Genome Aggregation Database.;For recessive disorders, detected in trans with a pathogenic variant.;Patient's phenotype or family history is highly specific for a disease with a single genetic etiology.;Multiple lines of computational evidence support a deleterious effect on the gene or gene product.;Novel missense change at an amino acid residue where a different missense change determined to be pathogenic has been seen before.

Counsyl
Classification: Pathogenic for Methylmalonic aciduria due to methylmalonyl-CoA mutase deficiency. Last evaluated: 2017-10-03. Review status: no assertion criteria provided. Collection method: clinical testing. Allele origin: unknown. Not counted in ClinVar's aggregate classification.

Medical Genetics Unit, Ain Shams University Pediatrics Hospital
No classification provided. Review status: no classification provided. Collection method: not provided. Allele origin: unknown. Not counted in ClinVar's aggregate classification.
Comment: Methylmalonic aciduria

Neonatal Disease Screening Center, Medical Genetics Center, Huaihua City Maternal and Child Health Care Hospital
Classification: Pathogenic for Methylmalonic aciduria due to methylmalonyl-CoA mutase deficiency. Review status: no assertion criteria provided. Criteria: ACMG Guidelines, 2015. Collection method: clinical testing. Allele origin: germline. Affected: yes. Observed: 1 variant allele. Not counted in ClinVar's aggregate classification.
Comment: PM2_P+PM3_VS+PP3+PP4

Literature cited by the submitters: PubMed 26454439 (cited by Natera, Inc. and Counsyl); PubMed 11528502 (cited by Labcorp Genetics (formerly Invitae), Labcorp and Women's Health and Genetics/Laboratory Corporation of America, LabCorp); PubMed 16281286 (cited by 3 submitters); PubMed 17113806 (cited by Labcorp Genetics (formerly Invitae), Labcorp and Women's Health and Genetics/Laboratory Corporation of America, LabCorp); PubMed 2661559 (cited by Labcorp Genetics (formerly Invitae), Labcorp); PubMed 17075691 (cited by Labcorp Genetics (formerly Invitae), Labcorp and Women's Health and Genetics/Laboratory Corporation of America, LabCorp); PubMed 22614770 (cited by Labcorp Genetics (formerly Invitae), Labcorp); PubMed 23045948 (cited by Labcorp Genetics (formerly Invitae), Labcorp); PubMed 24059531 (cited by Labcorp Genetics (formerly Invitae), Labcorp); PubMed 24464670 (cited by Labcorp Genetics (formerly Invitae), Labcorp); PubMed 27578510 (cited by Labcorp Genetics (formerly Invitae), Labcorp); PubMed 20603089 (cited by Women's Health and Genetics/Laboratory Corporation of America, LabCorp); PubMed 15643616 (cited by Counsyl).